The following is an entry in ClinVar:

ClinVar aggregate classification (germline): Uncertain significance (1 of 4 stars; one submission).

Conditions:
Holoprosencephaly 9 (HPE9). Also called: HOLOPROSENCEPHALY WITH MICROPHTHALMIA AND FIRST BRANCHIAL ARCH ANOMALIES; PITUITARY ANOMALIES WITH HOLOPROSENCEPHALY-LIKE FEATURES. Identifiers: Orphanet 2162, MedGen C1835819, MONDO:0012563, OMIM 610829.
Postaxial polydactyly-anterior pituitary anomalies-facial dysmorphism syndrome. Also called: Culler-Jones syndrome. Identifiers: Orphanet 420584, MedGen C4014479, MONDO:0014369, OMIM 615849.

Submission:

Labcorp Genetics (formerly Invitae), Labcorp
Classification: Uncertain significance for Postaxial polydactyly-anterior pituitary anomalies-facial dysmorphism syndrome; Holoprosencephaly 9. Last evaluated: 2023-03-14. Review status: criteria provided, single submitter. Criteria: Invitae Variant Classification Sherloc (09022015). Collection method: clinical testing. Allele origin: germline.
Comment: This variant has not been reported in the literature in individuals affected with GLI2-related conditions. In summary, the available evidence is currently insufficient to determine the role of this variant in disease. Therefore, it has been classified as a Variant of Uncertain Significance. Advanced modeling of protein sequence and biophysical properties (such as structural, functional, and spatial information, amino acid conservation, physicochemical variation, residue mobility, and thermodynamic stability) performed at Invitae indicates that this missense variant is expected to disrupt GLI2 protein function. This variant is not present in population databases (gnomAD no frequency). This sequence change replaces methionine, which is neutral and non-polar, with arginine, which is basic and polar, at codon 180 of the GLI2 protein (p.Met180Arg).

NM_001374353.1(GLI2):c.539T>G (p.Met180Arg)

Gene: GLI2 (GLI family zinc finger 2; plus strand). Cytogenetic location: 2q14.2.
Variant type: single nucleotide variant.
Coding change: c.539T>G on transcript NM_001374353.1 (MANE Select); coding-DNA position 539, T replaced by G.
Protein change: p.Met180Arg; replaces methionine 180 with arginine.
Molecular consequence: missense variant.
Genome position (GRCh38, 1-based): chr2:120,955,326, T>G. VCF-style: chr2-120955326-T-G. GRCh37 (hg19) VCF-style: chr2-121712902-T-G.
Other names: c.539T>G, p.Met180Arg (NM_005270.5, NM_001371271.1); c.164T>G, p.Met55Arg (NM_001374354.1); short protein forms M55R, M180R.
Identifiers: ClinVar variation 2944311 (VCV002944311.3), dbSNP rs760903616, ClinGen allele CA348162892.